The following is an entry in ClinVar:

NM_001042492.3(NF1):c.1642-449A>G

Gene: NF1 (neurofibromin 1; plus strand). Cytogenetic location: 17q11.2.
Variant type: single nucleotide variant.
Coding change: c.1642-449A>G on transcript NM_001042492.3 (MANE Select); 449 bases into the intron before coding-DNA position 1642, A replaced by G.
Molecular consequence: intron variant.
Genome position (GRCh38, 1-based): chr17:31,221,401, A>G. VCF-style: chr17-31221401-A-G. GRCh37 (hg19) VCF-style: chr17-29548419-A-G.
Other names: c.1642-449A>G (NM_000267.4, NM_001128147.3).
Identifiers: ClinVar variation 216394 (VCV000216394.48), dbSNP rs863224655, ClinGen allele CA337564.

ClinVar aggregate classification (germline): Pathogenic/Likely pathogenic. Review status: criteria provided, multiple submitters, no conflicts (2 of 4 stars). 7 submissions from 7 submitters: Pathogenic (3); Likely pathogenic (4). Last evaluated 2026-06-12.

Conditions:
NF1-related disorder. Also called: NF1-related condition. Identifiers: MedGen CN379171.
Cardiovascular phenotype. Identifiers: MedGen CN230736.
Hereditary cancer-predisposing syndrome. Also called: Tumor predisposition; Neoplastic Syndromes, Hereditary; Hereditary Cancer Syndrome; Hereditary neoplastic syndrome. Identifiers: Orphanet 140162, MedGen C0027672, MeSH D009386, MONDO:0015356.
Neurofibromatosis, type 1 (NF1). Also called: NEUROFIBROMATOSIS, TYPE I, SOMATIC; Peripheral type neurofibromatosis; Neurofibromatosis, type I; VON RECKLINGHAUSEN DISEASE. Identifiers: Orphanet 636, MedGen C0027831, MONDO:0018975, OMIM 162200. Disease mechanism: loss of function.

Allele frequency attached by ClinVar (database versions not stated): TOPMed below 0.00001.

Submissions (7):

PreventionGenetics, part of Exact Sciences
Classification: Likely pathogenic for NF1-related condition. Last evaluated: 2026-06-12. Review status: criteria provided, single submitter. Criteria: ACMG Guidelines, 2015. Collection method: clinical testing. Allele origin: germline.
Comment: The NF1 c.1642-449A>G variant is predicted to interfere with splicing. This variant was reported in individuals with clinical features consistent with neurofibromatosis 1 (Jeong et al. 2006. PubMed ID: 16479075; Douben et al. 2022. PubMed ID: 36251260; Ko et al. 2013. PubMed ID: 23668869). Experimental studies indicate that this variant causes aberrant splicing resulting in the creation of a new acceptor site and a prematurely truncated protein (Douben et al. 2022. PubMed ID: 36251260; Jeong et al. 2006. PubMed ID: 16479075). This variant has not been reported in a large population database (gnomAD), indicating this variant is rare. It is classified as likely pathogenic or pathogenic in ClinVar (Variation ID: 216394). This variant is interpreted as likely pathogenic.

Labcorp Genetics (formerly Invitae), Labcorp
Classification: Pathogenic for Neurofibromatosis, type 1. Last evaluated: 2025-02-05. Review status: criteria provided, single submitter. Criteria: Invitae Variant Classification Sherloc (09022015). Collection method: clinical testing. Allele origin: germline.
Comment: This sequence change falls in intron 14 of the NF1 gene. It does not directly change the encoded amino acid sequence of the NF1 protein. RNA analysis indicates that this variant induces altered splicing and may result in an absent or altered protein product. This variant is not present in population databases (gnomAD no frequency). This variant has been observed in individuals with neurofibromatosis type 1 (PMID: 16479075, 23668869; internal data). ClinVar contains an entry for this variant (Variation ID: 216394). Studies have shown that this variant results in activation of a cryptic splice site, leading to altered splicing and introduction of a premature termination codon (internal data). The resulting mRNA is expected to undergo nonsense-mediated decay. For these reasons, this variant has been classified as Pathogenic.

Institute of Human Genetics, University of Leipzig Medical Center
Classification: Likely pathogenic for Neurofibromatosis, type 1. Last evaluated: 2024-12-13. Review status: criteria provided, single submitter. Criteria: ACMG Guidelines, 2015. Collection method: clinical testing. Allele origin: unknown. Inheritance: Autosomal dominant inheritance. Affected: yes.
Comment: Criteria applied: PS4_MOD,PM2,PS3_MOD

Ambry Genetics
Classification: Pathogenic for Cardiovascular phenotype; Hereditary cancer-predisposing syndrome. Last evaluated: 2023-11-21. Review status: criteria provided, single submitter. Criteria: Ambry Variant Classification Scheme 2023. Collection method: clinical testing. Allele origin: germline.
Comment: The c.1642-449A>G intronic variant results from an A to G substitution 449 nucleotides upstream from coding exon 15 in the NF1 gene. This variant has been detected in individuals meeting diagnostic criteria for NF1 and RNA studies reported to result in aberrant splicing (Jeong SY et al. J Korean Med Sci, 2006 Feb;21:107-12; Ko JM et al. Pediatr Neurol, 2013 Jun;48:447-53; Douben HCW et al. Hum Mutat, 2022 Dec;43:2130-2140; Ambry internal data). This nucleotide position is highly conserved in available vertebrate species. In silico splice site analysis predicts that this alteration will result in the creation or strengthening of a novel splice acceptor site. This variant was not reported in population-based cohorts in the Genome Aggregation Database (gnomAD). Based on the supporting evidence, this alteration is interpreted as a disease-causing mutation.

GeneDx
Classification: Pathogenic. Last evaluated: 2023-07-17. Review status: criteria provided, single submitter. Criteria: GeneDx Variant Classification Process June 2021. Collection method: clinical testing. Allele origin: germline. Affected: yes.
Comment: Published functional studies demonstrate a damaging effect: aberrant splicing, leading to an insertion and frameshift effect (Douben et al., 2022; Koczkowska et al., 2023); In silico analysis supports a deleterious effect on splicing; No data available from control populations to assess the frequency of this variant; This variant is associated with the following publications: (PMID: 16479075, 23668869, 36251260, 37186028)

CeGaT Center for Human Genetics Tuebingen
Classification: Likely pathogenic. Last evaluated: 2022-03-01. Review status: criteria provided, single submitter. Criteria: CeGaT Center For Human Genetics Tuebingen Variant Classification Criteria Version 2. Collection method: clinical testing. Allele origin: germline. Affected: yes. Observed: 1 variant allele.
Comment: NF1: PM2, PP4:Moderate, PS4:Moderate, PP3

Department of Pathology and Laboratory Medicine, Sinai Health System
Classification: Likely pathogenic for neurofibromatosis type 1. Review status: criteria provided, single submitter. Criteria: ACMG Guidelines, 2015. Collection method: clinical testing. Allele origin: germline.

Literature cited by the submitters: PubMed 16479075 (cited by Labcorp Genetics (formerly Invitae), Labcorp); PubMed 23668869 (cited by Labcorp Genetics (formerly Invitae), Labcorp).